The following is an entry in ClinVar:

NM_201384.3(PLEC):c.8764G>A (p.Val2922Met)

Gene: PLEC (plectin; minus strand). Cytogenetic location: 8q24.3.
Variant type: single nucleotide variant.
Coding change: c.8764G>A on transcript NM_201384.3 (MANE Select); coding-DNA position 8764, G replaced by A.
Protein change: p.Val2922Met; replaces valine 2922 with methionine.
Molecular consequence: missense variant.
Genome position (GRCh38, 1-based): chr8:143,921,057, C>T on the plus strand (G>A on the coding strand, the complement: PLEC is on the minus strand). VCF-style: chr8-143921057-C-T. GRCh37 (hg19) VCF-style: chr8-144995225-C-T.
Other names: c.8776G>A, p.Val2926Met (NM_201383.3); c.8845G>A, p.Val2949Met (NM_000445.5); c.8722G>A, p.Val2908Met (NM_201378.4); c.8698G>A, p.Val2900Met (NM_201379.3); c.9175G>A, p.Val3059Met (NM_201380.4); c.8668G>A, p.Val2890Met (NM_201381.3); c.8764G>A, p.Val2922Met (NM_201382.4); short protein forms V2890M, V2922M, V2926M, V2949M, V3059M, V2900M, V2908M.
Identifiers: ClinVar variation 1488293 (VCV001488293.6), dbSNP rs782738947, ClinGen allele CA4925191.

ClinVar aggregate classification (germline): Uncertain significance (1 of 4 stars; one submission).

Conditions:
Epidermolysis bullosa simplex 5B, with muscular dystrophy (EBS5B). Also called: EPIDERMOLYSIS BULLOSA SIMPLEX AND LIMB-GIRDLE MUSCULAR DYSTROPHY; Epidermolysis bullosa simplex with muscular dystrophy. Identifiers: Orphanet 257, MedGen C2931072, MONDO:0009181, OMIM 226670.
Epidermolysis bullosa simplex 5C, with pyloric atresia (EBS5C). Also called: PLEC1-Related Epidermolysis Bullosa with Pyloric Atresia; PLEC-Related Epidermolysis Bullosa with Pyloric Atresia; Epidermolysis bullosa simplex with pyloric atresia. Identifiers: Orphanet 158684, MedGen C2677349, MONDO:0012807, OMIM 612138.
Epidermolysis bullosa simplex, Ogna type (EBS5A). Also called: Pidermolysis bullosa simplex 5A, Ogna type; EPIDERMOLYSIS BULLOSA SIMPLEX 5A, OGNA TYPE. Identifiers: Orphanet 79401, MedGen C0432317, MONDO:0007555, OMIM 131950.
Autosomal recessive limb-girdle muscular dystrophy type 2Q (LGMDR17). Also called: MUSCULAR DYSTROPHY, LIMB-GIRDLE, AUTOSOMAL RECESSIVE 17. Identifiers: Orphanet 254361, MedGen C3150989, MONDO:0013390, OMIM 613723.
Epidermolysis bullosa simplex with nail dystrophy (EBS5D). Identifiers: MedGen C4225309, MONDO:0014661, OMIM 616487.

Allele frequency attached by ClinVar (database versions not stated): ExAC 0.00001.

Submission:

Labcorp Genetics (formerly Invitae), Labcorp
Classification: Uncertain significance for Autosomal recessive limb-girdle muscular dystrophy type 2Q; Epidermolysis bullosa simplex, Ogna type; Epidermolysis bullosa simplex with nail dystrophy; Epidermolysis bullosa simplex 5C, with pyloric atresia; Epidermolysis bullosa simplex 5B, with muscular dystrophy. Last evaluated: 2025-03-30. Review status: criteria provided, single submitter. Criteria: Invitae Variant Classification Sherloc (09022015). Collection method: clinical testing. Allele origin: germline.
Comment: This sequence change replaces valine, which is neutral and non-polar, with methionine, which is neutral and non-polar, at codon 2949 of the PLEC protein (p.Val2949Met). This variant is not present in population databases (gnomAD no frequency). This variant has not been reported in the literature in individuals affected with PLEC-related conditions. ClinVar contains an entry for this variant (Variation ID: 1488293). An algorithm developed to predict the effect of missense changes on protein structure and function (PolyPhen-2) suggests that this variant is likely to be disruptive. In summary, the available evidence is currently insufficient to determine the role of this variant in disease. Therefore, it has been classified as a Variant of Uncertain Significance.